The following is an entry in ClinVar:

ClinVar aggregate classification (germline): Benign/Likely benign. Review status: criteria provided, multiple submitters, no conflicts (2 of 4 stars). 3 submissions from 3 submitters: Benign (1); Likely benign (2). Last evaluated 2025-01-08.

Conditions:
Hereditary nonpolyposis colorectal neoplasms. Identifiers: MedGen C0009405, MeSH D003123.
Hereditary cancer-predisposing syndrome. Also called: Tumor predisposition; Neoplastic Syndromes, Hereditary; Hereditary Cancer Syndrome; Hereditary neoplastic syndrome. Identifiers: Orphanet 140162, MedGen C0027672, MeSH D009386, MONDO:0015356.
Lynch syndrome 5 (LYNCH5). Also called: Colorectal cancer, hereditary nonpolyposis, type 5; Hereditary non-polyposis colorectal cancer, type 5. Identifiers: Orphanet 144, MedGen C1833477, MONDO:0013710, OMIM 614350. Disease mechanism: loss of function.

Allele frequency attached by ClinVar (database versions not stated): gnomAD exomes below 0.00001 and 0.00001.
gnomAD v4.1: 8 of 1,613,910 alleles (0.0005%); highest among the groups gnomAD compares: Non-Finnish European, 0.00059%; no homozygotes.

Submissions (3):

Myriad Genetics, Inc.
Classification: Benign for Lynch syndrome 5. Last evaluated: 2025-01-08. Review status: criteria provided, single submitter. Criteria: Myriad Autosomal Dominant, Autosomal Recessive and X-Linked Classification Criteria (2023). Collection method: clinical testing. Allele origin: unknown.
Comment: This variant is considered benign. This variant is a silent/synonymous amino acid change and it is not expected to impact splicing.

Labcorp Genetics (formerly Invitae), Labcorp
Classification: Likely benign for Hereditary nonpolyposis colorectal neoplasms. Last evaluated: 2024-10-09. Review status: criteria provided, single submitter. Criteria: Invitae Variant Classification Sherloc (09022015). Collection method: clinical testing. Allele origin: germline.

Ambry Genetics
Classification: Likely benign for Hereditary cancer-predisposing syndrome. Last evaluated: 2015-11-23. Review status: criteria provided, single submitter. Criteria: Ambry Variant Classification Scheme 2023. Collection method: clinical testing. Allele origin: germline.

NM_000179.3(MSH6):c.3894T>C (p.Tyr1298=)

Gene: MSH6 (mutS homolog 6; plus strand). Cytogenetic location: 2p16.3.
Variant type: single nucleotide variant.
Coding change: c.3894T>C on transcript NM_000179.3 (MANE Select); coding-DNA position 3894, T replaced by C.
Protein change: p.Tyr1298=; no amino-acid change (tyrosine 1298 retained).
Molecular consequence: synonymous variant.
Genome position (GRCh38, 1-based): chr2:47,806,544, T>C. VCF-style: chr2-47806544-T-C. GRCh37 (hg19) VCF-style: chr2-48033683-T-C.
Other names: c.3504T>C, p.Tyr1168= (NM_001281492.2); c.2988T>C, p.Tyr996= (NM_001281493.2, NM_001281494.2).
Identifiers: ClinVar variation 1105421 (VCV001105421.12), dbSNP rs1348836250, ClinGen allele CA426122143.
Genomic context (GRCh38, chr2:47,806,544, plus strand): 5'-CAGCCAGGAGACTATTACGTTCCTCTATAAATTCATTAAGGGAGCTTGTCCTAAAAGCTA[T>C]GGCTTTAATGCAGCAAGGCTTGCTAATCTCCCAGAGGAAGTTATTCAAAAGGGACATAGA-3'
Protein context (NP_000170.1, residues 1288-1308): KFIKGACPKS[Tyr1298=]GFNAARLANL